The following is an entry in ClinVar:

NM_030632.3(ASXL3):c.3194G>A (p.Arg1065Gln)

Gene: ASXL3 (ASXL transcriptional regulator 3; plus strand). Cytogenetic location: 18q12.1.
Variant type: single nucleotide variant.
Coding change: c.3194G>A on transcript NM_030632.3 (MANE Select); coding-DNA position 3194, G replaced by A.
Protein change: p.Arg1065Gln; replaces arginine 1065 with glutamine.
Molecular consequence: missense variant.
Genome position (GRCh38, 1-based): chr18:33,743,042, G>A. VCF-style: chr18-33743042-G-A. GRCh37 (hg19) VCF-style: chr18-31323006-G-A.
Other names: short protein forms R1065Q.
Identifiers: ClinVar variation 2648647 (VCV002648647.24), dbSNP rs2510924453, ClinGen allele CA402184806.

ClinVar aggregate classification (germline): Uncertain significance (1 of 4 stars; one submission).

Submission:

CeGaT Center for Human Genetics Tuebingen
Classification: Uncertain significance. Last evaluated: 2023-02-01. Review status: criteria provided, single submitter. Criteria: CeGaT Center For Human Genetics Tuebingen Variant Classification Criteria Version 2. Collection method: clinical testing. Allele origin: germline. Affected: yes. Observed: 1 variant allele.
Comment: ASXL3: PM2